The following is an entry in ClinVar:

ClinVar aggregate classification (germline): Uncertain significance (1 of 4 stars; one submission).

Submission:

Ambry Genetics
Classification: Uncertain significance. Last evaluated: 2024-03-28. Review status: criteria provided, single submitter. Criteria: Ambry Variant Classification Scheme 2023. Collection method: clinical testing. Allele origin: germline.
Comment: The p.E266Q variant (also known as c.796G>C), located in coding exon 4 of the GALNT12 gene, results from a G to C substitution at nucleotide position 796. The glutamic acid at codon 266 is replaced by glutamine, an amino acid with highly similar properties. This amino acid position is conserved. In addition, this alteration is predicted to be tolerated by in silico analysis. Based on the available evidence, the clinical significance of this alteration remains unclear.

NM_024642.5(GALNT12):c.796G>C (p.Glu266Gln)

Gene: GALNT12 (polypeptide N-acetylgalactosaminyltransferase 12; plus strand). Cytogenetic location: 9q22.33.
Variant type: single nucleotide variant.
Coding change: c.796G>C on transcript NM_024642.5 (MANE Select); coding-DNA position 796, G replaced by C.
Protein change: p.Glu266Gln; replaces glutamic acid 266 with glutamine.
Molecular consequence: missense variant.
Genome position (GRCh38, 1-based): chr9:98,831,836, G>C. VCF-style: chr9-98831836-G-C. GRCh37 (hg19) VCF-style: chr9-101594118-G-C.
Other names: short protein forms E266Q.
Identifiers: ClinVar variation 3280565 (VCV003280565.1).